The following is an entry in ClinVar:

ClinVar aggregate classification (germline): Uncertain significance. Review status: criteria provided, multiple submitters, no conflicts (2 of 4 stars). 4 submissions from 4 submitters: Uncertain significance (4). Last evaluated 2025-11-03.

Conditions:
RP1L1-related disorder. Also called: RP1L1-related condition.
Inborn genetic diseases. Identifiers: MedGen C0950123, MeSH D030342.

Allele frequency attached by ClinVar (database versions not stated): ExAC 0.00002; gnomAD exomes 0.00002 and 0.00003; gnomAD 0.00005 and 0.00006; TOPMed 0.00005; ESP Exome Variant Server 0.00008.
gnomAD v4.1: 57 of 1,614,060 alleles (0.0035%); highest among the groups gnomAD compares: Non-Finnish European, 0.0045%; no homozygotes.

Submissions (4):

PreventionGenetics, part of Exact Sciences
Classification: Uncertain significance for RP1L1-related condition. Last evaluated: 2025-11-03. Review status: criteria provided, single submitter. Criteria: ACMG Guidelines, 2015. Collection method: clinical testing. Allele origin: germline.
Comment: The RP1L1 c.541T>A variant is predicted to result in the amino acid substitution p.Phe181Ile. To our knowledge, this variant has not been reported in the literature. This variant is reported in 0.0041% of alleles in individuals of African descent in gnomAD. At this time, the clinical significance of this variant is uncertain due to the absence of conclusive functional and genetic evidence.

Ambry Genetics
Classification: Uncertain significance for Inborn genetic diseases. Last evaluated: 2025-08-30. Review status: criteria provided, single submitter. Criteria: Ambry Variant Classification Scheme 2023. Collection method: clinical testing. Allele origin: germline.

Labcorp Genetics (formerly Invitae), Labcorp
Classification: Uncertain significance. Last evaluated: 2024-10-22. Review status: criteria provided, single submitter. Criteria: Invitae Variant Classification Sherloc (09022015). Collection method: clinical testing. Allele origin: germline.
Comment: This sequence change replaces phenylalanine, which is neutral and non-polar, with isoleucine, which is neutral and non-polar, at codon 181 of the RP1L1 protein (p.Phe181Ile). This variant is present in population databases (rs371879954, gnomAD 0.004%). This variant has not been reported in the literature in individuals affected with RP1L1-related conditions. ClinVar contains an entry for this variant (Variation ID: 1511536). Invitae Evidence Modeling of protein sequence and biophysical properties (such as structural, functional, and spatial information, amino acid conservation, physicochemical variation, residue mobility, and thermodynamic stability) has been performed for this missense variant. However, the output from this modeling did not meet the statistical confidence thresholds required to predict the impact of this variant on RP1L1 protein function. In summary, the available evidence is currently insufficient to determine the role of this variant in disease. Therefore, it has been classified as a Variant of Uncertain Significance.

Blueprint Genetics
Classification: Uncertain significance. Last evaluated: 2023-08-22. Review status: criteria provided, single submitter. Criteria: ACMG Guidelines, 2015. Collection method: clinical testing. Allele origin: germline.

NM_178857.6(RP1L1):c.541T>A (p.Phe181Ile)

Gene: RP1L1 (RP1 like 1). Cytogenetic location: 8p23.1.
Variant type: single nucleotide variant.
Coding change: c.541T>A on transcript NM_178857.6 (MANE Select); coding-DNA position 541, T replaced by A.
Protein change: p.Phe181Ile; replaces phenylalanine 181 with isoleucine.
Molecular consequence: missense variant.
Genome position (GRCh38, 1-based): chr8:10,622,661, A>T on the plus strand (T>A on the coding strand, the complement: RP1L1 is on the minus strand). VCF-style: chr8-10622661-A-T. GRCh37 (hg19) VCF-style: chr8-10480171-A-T.
Other names: c.541T>A (NM_178857.5); short protein forms F181I.
Identifiers: ClinVar variation 1511536 (VCV001511536.12), dbSNP rs371879954, ClinGen allele CA4625651.